The following is an entry in ClinVar:

ClinVar aggregate classification (germline): Uncertain significance (1 of 4 stars; one submission).

Conditions:
Hereditary sensory and autonomic neuropathy type 7. Also called: Neuropathy, hereditary sensory and autonomic, type VII; HSAN VII. Identifiers: Orphanet 391397, MedGen C3809882, MONDO:0014244, OMIM 615548.
Familial episodic pain syndrome with predominantly lower limb involvement. Also called: Episodic pain syndrome, familial, 3. Identifiers: Orphanet 391384, Orphanet 391392, MedGen C3809899, MONDO:0014247, OMIM 615552.

Allele frequency attached by ClinVar (database versions not stated): gnomAD exomes below 0.00001; TOPMed below 0.00001.

Submission:

Labcorp Genetics (formerly Invitae), Labcorp
Classification: Uncertain significance for Familial episodic pain syndrome with predominantly lower limb involvement; Hereditary sensory and autonomic neuropathy type 7. Last evaluated: 2022-01-05. Review status: criteria provided, single submitter. Criteria: Invitae Variant Classification Sherloc (09022015). Collection method: clinical testing. Allele origin: germline.
Comment: This sequence change replaces phenylalanine, which is neutral and non-polar, with leucine, which is neutral and non-polar, at codon 1101 of the SCN11A protein (p.Phe1101Leu). This variant is not present in population databases (gnomAD no frequency). This variant has not been reported in the literature in individuals affected with SCN11A-related conditions. Algorithms developed to predict the effect of missense changes on protein structure and function are either unavailable or do not agree on the potential impact of this missense change (SIFT: "Deleterious"; PolyPhen-2: "Probably Damaging"; Align-GVGD: "Class C15"). In summary, the available evidence is currently insufficient to determine the role of this variant in disease. Therefore, it has been classified as a Variant of Uncertain Significance.

NM_001349253.2(SCN11A):c.3303T>A (p.Phe1101Leu)

Gene: SCN11A (sodium voltage-gated channel alpha subunit 11; minus strand). Cytogenetic location: 3p22.2.
Variant type: single nucleotide variant.
Coding change: c.3303T>A on transcript NM_001349253.2 (MANE Select); coding-DNA position 3303, T replaced by A.
Protein change: p.Phe1101Leu; replaces phenylalanine 1101 with leucine.
Molecular consequence: missense variant.
Genome position (GRCh38, 1-based): chr3:38,880,040, A>T on the plus strand (T>A on the coding strand, the complement: SCN11A is on the minus strand). VCF-style: chr3-38880040-A-T. GRCh37 (hg19) VCF-style: chr3-38921531-A-T.
Other names: c.3303T>A, p.Phe1101Leu (NM_014139.3); short protein forms F1101L.
Identifiers: ClinVar variation 2075250 (VCV002075250.4), dbSNP rs2065282502, ClinGen allele CA352172673.